The following is an entry in ClinVar:

ClinVar aggregate classification (germline): Uncertain significance. Review status: criteria provided, multiple submitters, no conflicts (2 of 4 stars). 2 submissions from 2 submitters: Uncertain significance (2). Last evaluated 2025-07-31.

Allele frequency attached by ClinVar (database versions not stated): ExAC 0.00006; gnomAD 0.00007; TOPMed 0.00009; ESP Exome Variant Server 0.00015.
gnomAD v4.1: 125 of 1,497,028 alleles (0.0083%); highest among the groups gnomAD compares: Non-Finnish European, 0.011%; 1 homozygote.

Submissions (2):

Ambry Genetics
Classification: Uncertain significance. Last evaluated: 2025-07-31. Review status: criteria provided, single submitter. Criteria: Ambry Variant Classification Scheme 2023. Collection method: clinical testing. Allele origin: germline.

Labcorp Genetics (formerly Invitae), Labcorp
Classification: Uncertain significance. Last evaluated: 2023-11-20. Review status: criteria provided, single submitter. Criteria: Invitae Variant Classification Sherloc (09022015). Collection method: clinical testing. Allele origin: germline.
Comment: This sequence change replaces glutamic acid, which is acidic and polar, with lysine, which is basic and polar, at codon 62 of the SLC19A1 protein (p.Glu62Lys). This variant is present in population databases (rs148765362, gnomAD 0.007%). This variant has not been reported in the literature in individuals affected with SLC19A1-related conditions. Algorithms developed to predict the effect of missense changes on protein structure and function output the following: SIFT: "Not Available"; PolyPhen-2: "Benign"; Align-GVGD: "Not Available". The lysine amino acid residue is found in multiple mammalian species, which suggests that this missense change does not adversely affect protein function. In summary, the available evidence is currently insufficient to determine the role of this variant in disease. Therefore, it has been classified as a Variant of Uncertain Significance.

NM_194255.4(SLC19A1):c.184G>A (p.Glu62Lys)

Gene: SLC19A1 (solute carrier family 19 member 1; minus strand). Cytogenetic location: 21q22.3.
Variant type: single nucleotide variant.
Coding change: c.184G>A on transcript NM_194255.4 (MANE Select); coding-DNA position 184, G replaced by A.
Protein change: p.Glu62Lys; replaces glutamic acid 62 with lysine.
Molecular consequence: missense variant. On other transcripts: 5 prime UTR variant (1).
Genome position (GRCh38, 1-based): chr21:45,537,776, C>T on the plus strand (G>A on the coding strand, the complement: SLC19A1 is on the minus strand). VCF-style: chr21-45537776-C-T. GRCh37 (hg19) VCF-style: chr21-46957690-C-T.
Other names: c.184G>A, p.Glu62Lys (NM_001205206.4, NM_001352511.3, NM_001352512.2); c.-175G>A (NM_001352510.2); c.184G>A (NM_194255.2); short protein forms E62K.
Identifiers: ClinVar variation 2725091 (VCV002725091.3), dbSNP rs148765362, ClinGen allele CA10068725.